The following is an entry in ClinVar:

NM_001374736.1(DST):c.3963+8C>G

Gene: DST (dystonin; minus strand). Cytogenetic location: 6p12.1.
Variant type: single nucleotide variant.
Coding change: c.3963+8C>G on transcript NM_001374736.1 (MANE Select); 8 bases into the intron after coding-DNA position 3963, C replaced by G.
Molecular consequence: intron variant.
Genome position (GRCh38, 1-based): chr6:56,631,875, G>C on the plus strand (C>G on the coding strand, the complement: DST is on the minus strand). VCF-style: chr6-56631875-G-C. GRCh37 (hg19) VCF-style: chr6-56496673-G-C.
Other names: c.3864+8C>G (NM_001144769.5); c.3963+8C>G (NM_001374722.1); c.3990+8C>G (NM_001374734.1); c.3450+8C>G (NM_001144770.2); c.3330+8C>G (NM_001374730.1, NM_001386100.1, NM_183380.4 and 1 more transcripts); c.2352+8C>G (NM_015548.5, NM_001723.7).
Identifiers: ClinVar variation 652179 (VCV000652179.9), dbSNP rs750301925, ClinGen allele CA3871013.

ClinVar aggregate classification (germline): Uncertain significance (1 of 4 stars; one submission).

Conditions:
Hereditary sensory and autonomic neuropathy type 6. Also called: Neuropathy, hereditary sensory and autonomic, type VI; HSAN VI. Identifiers: Orphanet 314381, MedGen C3539003, MONDO:0013839, OMIM 614653.
Epidermolysis bullosa simplex 3, localized or generalized intermediate, with BP230 deficiency (EBS3). Also called: Epidermolysis bullosa simplex due to BP230 deficiency; Epidermolysis bullosa simplex, autosomal recessive 2. Identifiers: Orphanet 412181, MedGen C3809470, MONDO:0014180, OMIM 615425.

Allele frequency attached by ClinVar (database versions not stated): gnomAD 0.00001; gnomAD exomes 0.00001 and 0.00002; TOPMed 0.00001; ExAC 0.00002.

Submission:

Labcorp Genetics (formerly Invitae), Labcorp
Classification: Uncertain significance for Epidermolysis bullosa simplex 3, localized or generalized intermediate, with BP230 deficiency; Hereditary sensory and autonomic neuropathy type 6. Last evaluated: 2023-11-28. Review status: criteria provided, single submitter. Criteria: Invitae Variant Classification Sherloc (09022015). Collection method: clinical testing. Allele origin: germline.
Comment: This sequence change falls in intron 15 of the DST gene. It does not directly change the encoded amino acid sequence of the DST protein. This variant is present in population databases (rs750301925, gnomAD 0.005%). This variant has not been reported in the literature in individuals affected with DST-related conditions. ClinVar contains an entry for this variant (Variation ID: 652179). Algorithms developed to predict the effect of sequence changes on RNA splicing suggest that this variant may create or strengthen a splice site. In summary, the available evidence is currently insufficient to determine the role of this variant in disease. Therefore, it has been classified as a Variant of Uncertain Significance.